The following is an entry in ClinVar:

NM_007294.4(BRCA1):c.3890C>T (p.Ser1297Phe)

Genes: BRCA1 (BRCA1 DNA repair associated; minus strand), LOC126862571 (BRD4-independent group 4 enhancer GRCh37_chr17:41243136-41244335; plus strand). Cytogenetic location: 17q21.31.
Variant type: single nucleotide variant.
Coding change: c.3890C>T on transcript NM_007294.4 (MANE Select); coding-DNA position 3890, C replaced by T.
Protein change: p.Ser1297Phe; replaces serine 1297 with phenylalanine.
Molecular consequence: missense variant. On other transcripts: intron variant (135).
Genome position (GRCh38, 1-based): chr17:43,091,641, G>A on the plus strand (C>T on the coding strand, the complement: BRCA1 is on the minus strand). VCF-style: chr17-43091641-G-A. GRCh37 (hg19) VCF-style: chr17-41243658-G-A.
Other names: c.3809C>T, p.Ser1270Phe (NM_001407660.1, NM_001407661.1, NM_001407662.1 and 1 more transcripts); c.3812C>T, p.Ser1271Phe (NM_001407663.1, NM_001407653.1, NM_001407654.1 and 4 more transcripts); c.3767C>T, p.Ser1256Phe (NM_001407664.1, NM_001407665.1, NM_001407666.1 and 19 more transcripts); c.3764C>T, p.Ser1255Phe (NM_001407670.1, NM_001407671.1, NM_001407672.1 and 11 more transcripts); c.3890C>T, p.Ser1297Phe (NM_001407684.1, NM_001407854.1, NM_001407858.1 and 30 more transcripts); c.3749C>T, p.Ser1250Phe (NM_001407692.1, NM_001407694.1, NM_001407695.1 and 29 more transcripts); c.3746C>T, p.Ser1249Phe (NM_001407740.1, NM_001407741.1, NM_001407742.1 and 20 more transcripts); c.3677C>T, p.Ser1226Phe (NM_001407853.1, NM_001407894.1, NM_001407895.1 and 9 more transcripts); and 41 more; short protein forms S1001F, S1129F, S1169F, S1170F, S1185F, S1186F, S1208F, S1209F.
Identifiers: ClinVar variation 3391477 (VCV003391477.1).

ClinVar aggregate classification (germline): Uncertain significance (1 of 4 stars; one submission).

Submission:

GeneDx
Classification: Uncertain significance. Last evaluated: 2024-06-17. Review status: criteria provided, single submitter. Criteria: GeneDx Variant Classification Process June 2021. Collection method: clinical testing. Allele origin: germline. Affected: yes.
Comment: Not observed at significant frequency in large population cohorts (gnomAD); In silico analysis indicates that this missense variant does not alter protein structure/function; Observed in an individual with breast cancer (PMID: 10800284); Also known as 4009C>T; This variant is associated with the following publications: (PMID: 15343273, 22737296, 10800284, 12491487)